The following is an entry in ClinVar:

ClinVar aggregate classification (germline): Conflicting classifications of pathogenicity. Review status: criteria provided, conflicting classifications (1 of 4 stars). 3 submissions from 3 submitters: Uncertain significance (1); Likely benign (2). Last evaluated 2026-06-01.

Conditions:
Inborn genetic diseases. Identifiers: MedGen C0950123, MeSH D030342.

Allele frequency attached by ClinVar (database versions not stated): 1000 Genomes Project 0.00020; 1000 Genomes Project 30x 0.00047; TOPMed 0.00291; gnomAD 0.00327; gnomAD exomes 0.00476; ExAC 0.00532.
gnomAD v4.1: 7,296 of 1,610,138 alleles (0.45%); highest among the groups gnomAD compares: Non-Finnish European, 0.59%; 17 homozygotes.

Submissions (3):

CeGaT Center for Human Genetics Tuebingen
Classification: Likely benign. Last evaluated: 2026-06-01. Review status: criteria provided, single submitter. Criteria: CeGaT Center For Human Genetics Tuebingen Variant Classification Criteria Version 2. Collection method: clinical testing. Allele origin: germline. Affected: yes. Observed: 1 variant allele.
Comment: EDEM3: BS2

Blueprint Genetics
Classification: Likely benign. Last evaluated: 2024-10-18. Review status: criteria provided, single submitter. Criteria: ACMG Guidelines, 2015. Collection method: clinical testing. Allele origin: germline.

Ambry Genetics
Classification: Uncertain significance for Inborn genetic diseases. Last evaluated: 2021-10-18. Review status: criteria provided, single submitter. Criteria: Ambry Variant Classification Scheme 2023. Collection method: clinical testing. Allele origin: germline.

NM_025191.4(EDEM3):c.50C>G (p.Ala17Gly)

Gene: EDEM3 (ER degradation enhancing alpha-mannosidase like protein 3; minus strand). Cytogenetic location: 1q25.3.
Variant type: single nucleotide variant.
Coding change: c.50C>G on transcript NM_025191.4 (MANE Select); coding-DNA position 50, C replaced by G.
Protein change: p.Ala17Gly; replaces alanine 17 with glycine.
Molecular consequence: missense variant. On other transcripts: non-coding transcript variant (1).
Genome position (GRCh38, 1-based): chr1:184,754,597, G>C on the plus strand (C>G on the coding strand, the complement: EDEM3 is on the minus strand). VCF-style: chr1-184754597-G-C. GRCh37 (hg19) VCF-style: chr1-184723731-G-C.
Other names: c.50C>G, p.Ala17Gly (NM_001319960.2); short protein forms A17G.
Identifiers: ClinVar variation 2226752 (VCV002226752.5), dbSNP rs200912232, ClinGen allele CA1287819.
Genomic context (GRCh38, chr1:184,754,597, plus strand): 5'-CACACGGAGGTGGCCGACACCAGGCAGAACGCGGCCGTCGCCGCCACTAGTCTCCATCGC[G>C]CTCGCTGGGGAACCGGGGACCCACAGCCCCGGCCGCCGGCTTCGCTCATGGCCCCGCGGT-3'
Protein context (NP_079467.3, residues 7-27): RGCGSPVPQR[Ala17Gly]RWRLVAATAA